The following is an entry in ClinVar:

ClinVar aggregate classification (germline): Likely pathogenic (1 of 4 stars; one submission).

Conditions:
Glycogen storage disease IXb (GSD9B). Also called: GLYCOGENOSIS OF LIVER AND MUSCLE, AUTOSOMAL RECESSIVE; GSD IXb; PHOSPHORYLASE KINASE DEFICIENCY OF LIVER AND MUSCLE, AUTOSOMAL RECESSIVE. Identifiers: Orphanet 79240, MedGen C0543514, MONDO:0009868, OMIM 261750.

Allele frequency attached by ClinVar (database versions not stated): ExAC 0.00001.
gnomAD v4.1: 1 of 1,503,104 alleles (0.000067%); highest among the groups gnomAD compares: East Asian, 0.0023%; no homozygotes.

Submission:

Labcorp Genetics (formerly Invitae), Labcorp
Classification: Likely pathogenic for Glycogen storage disease IXb. Last evaluated: 2022-10-26. Review status: criteria provided, single submitter. Criteria: Invitae Variant Classification Sherloc (09022015). Collection method: clinical testing. Allele origin: germline.
Comment: In summary, the currently available evidence indicates that the variant is pathogenic, but additional data are needed to prove that conclusively. Therefore, this variant has been classified as Likely Pathogenic. This variant is present in population databases (rs777714363, gnomAD 0.006%). Algorithms developed to predict the effect of sequence changes on RNA splicing suggest that this variant may disrupt the consensus splice site. This variant has not been reported in the literature in individuals affected with PHKB-related conditions. This sequence change affects a donor splice site in intron 18 of the PHKB gene. It is expected to disrupt RNA splicing. Variants that disrupt the donor or acceptor splice site typically lead to a loss of protein function (PMID: 16199547), and loss-of-function variants in PHKB are known to be pathogenic (PMID: 9215682, 9326319).

Literature cited by the submitters: PubMed 16199547; PubMed 9215682; PubMed 9326319.

NM_000293.3(PHKB):c.1797+1G>A

Gene: PHKB (phosphorylase kinase regulatory subunit beta; plus strand). Cytogenetic location: 16q12.1.
Variant type: single nucleotide variant.
Coding change: c.1797+1G>A on transcript NM_000293.3 (MANE Select); the canonical splice donor site of the intron after coding-DNA position 1797, G replaced by A.
Molecular consequence: splice donor variant.
Genome position (GRCh38, 1-based): chr16:47,649,205, G>A. VCF-style: chr16-47649205-G-A. GRCh37 (hg19) VCF-style: chr16-47683116-G-A.
Other names: c.1797+1G>A (NM_001363837.1); c.1776+1G>A (NM_001031835.3).
Identifiers: ClinVar variation 2791344 (VCV002791344.3), dbSNP rs777714363, ClinGen allele CA8040957.